The following is an entry in ClinVar:

ClinVar aggregate classification (germline): Conflicting classifications of pathogenicity. Review status: criteria provided, conflicting classifications (1 of 4 stars). 2 submissions from 2 submitters: Uncertain significance (1); Likely benign (1). Last evaluated 2025-08-05.

Conditions:
Inborn genetic diseases. Identifiers: MedGen C0950123, MeSH D030342.
Chédiak-Higashi syndrome (CHS). Also called: Chediak-Higashi Syndrome. Identifiers: Orphanet 167, MedGen C0007965, MONDO:0008963, OMIM 214500.

gnomAD v4.1: 14 of 1,613,268 alleles (0.00087%); highest among the groups gnomAD compares: South Asian, 0.015%; no homozygotes.

Submissions (2):

Ambry Genetics
Classification: Likely benign for Inborn genetic diseases. Last evaluated: 2025-08-05. Review status: criteria provided, single submitter. Criteria: Ambry Variant Classification Scheme 2023. Collection method: clinical testing. Allele origin: germline.

Labcorp Genetics (formerly Invitae), Labcorp
Classification: Uncertain significance for Chédiak-Higashi syndrome. Last evaluated: 2023-11-20. Review status: criteria provided, single submitter. Criteria: Invitae Variant Classification Sherloc (09022015). Collection method: clinical testing. Allele origin: germline.
Comment: This sequence change replaces aspartic acid, which is acidic and polar, with glutamic acid, which is acidic and polar, at codon 772 of the LYST protein (p.Asp772Glu). This variant is present in population databases (no rsID available, gnomAD 0.003%). This variant has not been reported in the literature in individuals affected with LYST-related conditions. Advanced modeling of protein sequence and biophysical properties (such as structural, functional, and spatial information, amino acid conservation, physicochemical variation, residue mobility, and thermodynamic stability) performed at Invitae indicates that this missense variant is not expected to disrupt LYST protein function with a negative predictive value of 80%. In summary, the available evidence is currently insufficient to determine the role of this variant in disease. Therefore, it has been classified as a Variant of Uncertain Significance.

NM_000081.4(LYST):c.2316C>G (p.Asp772Glu)

Gene: LYST (lysosomal trafficking regulator; minus strand). Cytogenetic location: 1q42.3.
Variant type: single nucleotide variant.
Coding change: c.2316C>G on transcript NM_000081.4 (MANE Select); coding-DNA position 2316, C replaced by G.
Protein change: p.Asp772Glu; replaces aspartic acid 772 with glutamic acid.
Molecular consequence: missense variant.
Genome position (GRCh38, 1-based): chr1:235,808,502, G>C on the plus strand (C>G on the coding strand, the complement: LYST is on the minus strand). VCF-style: chr1-235808502-G-C. GRCh37 (hg19) VCF-style: chr1-235971802-G-C.
Other names: c.2316C>G (NM_000081.2); c.2316C>G, p.Asp772Glu (NM_001301365.1); short protein forms D772E.
Identifiers: ClinVar variation 2878928 (VCV002878928.2), dbSNP rs16832868, ClinGen allele CA344958590.
Genomic context (GRCh38, chr1:235,808,502, plus strand): 5'-CACACATACAAACCTGGATTTAAGCAGGATAGGCAGAGTTTTTACATAAATCTGAAGCAC[G>C]TCCTGAGGCAAGCACTGGTTATGATGGCTACATACATGACTTTGAGCTGAAGTAACGCTT-3'
Protein context (NP_000072.2, residues 762-782): CSHHNQCLPQ[Asp772Glu]VLQIYVKTLP